The following is an entry in ClinVar:

NM_024740.2(ALG9):c.*3750A>C

Gene: ALG9 (ALG9 alpha-1,2-mannosyltransferase; minus strand). Cytogenetic location: 11q23.1.
Variant type: single nucleotide variant.
Coding change: c.*3750A>C on transcript NM_024740.2 (MANE Select); 3750 bases downstream of the stop codon, A replaced by C.
Molecular consequence: 3 prime UTR variant. On other transcripts: non-coding transcript variant (1).
Genome position (GRCh38, 1-based): chr11:111,782,647, T>G on the plus strand (A>C on the coding strand, the complement: ALG9 is on the minus strand). VCF-style: chr11-111782647-T-G. GRCh37 (hg19) VCF-style: chr11-111653371-T-G.
Other names: c.*3750A>C (NM_001077690.1, NM_001077691.2, NM_001077692.2 and 9 more transcripts); c.*3410A>C (NM_001352415.1, NM_001352416.1, NM_001352417.1 and 1 more transcripts); c.*3879A>C (NM_001352420.2); c.*3873A>C (NM_001352421.2).
Identifiers: ClinVar variation 880093 (VCV000880093.4), dbSNP rs114397288, ClinGen allele CA228536964.

ClinVar aggregate classification (germline): Likely benign (1 of 4 stars; one submission).

Conditions:
ALG9 congenital disorder of glycosylation (CDG1L). Also called: CDG Il; ALG9-CDG; CONGENITAL DISORDER OF GLYCOSYLATION, TYPE Il. Identifiers: Orphanet 79328, MedGen C2931006, MONDO:0012117, OMIM 608776.

Allele frequency attached by ClinVar (database versions not stated): gnomAD 0.00730 and 0.00792; 1000 Genomes Project 0.00819; TOPMed 0.00826; 1000 Genomes Project 30x 0.00874.

Submission:

Illumina Laboratory Services, Illumina
Classification: Likely benign for ALG9 congenital disorder of glycosylation. Last evaluated: 2018-01-12. Review status: criteria provided, single submitter. Criteria: ICSL Variant Classification Criteria 13 December 2019. Collection method: clinical testing. Allele origin: germline.
Comment: This variant was observed in the ICSL laboratory as part of a predisposition screen in an ostensibly healthy population. It had not been previously curated by ICSL or reported in the Human Gene Mutation Database (HGMD: prior to June 1st, 2018), and was therefore a candidate for classification through an automated scoring system. Utilizing variant allele frequency, disease prevalence and penetrance estimates, and inheritance mode, an automated score was calculated to assess if this variant is too frequent to cause the disease. Based on the score and internal cut-off values, a variant classified as likely benign is not then subjected to further curation. The score for this variant resulted in a classification of likely benign for this disease.